The following is an entry in ClinVar:

ClinVar aggregate classification (germline): Uncertain significance. Review status: criteria provided, multiple submitters, no conflicts (2 of 4 stars). 2 submissions from 2 submitters: Uncertain significance (2). Last evaluated 2025-06-05.

Conditions:
GFAP-related disorder. Also called: GFAP-related disorders; GFAP-related condition.

Allele frequency attached by ClinVar (database versions not stated): gnomAD exomes below 0.00001.
gnomAD v4.1: 1 of 1,614,054 alleles (0.000062%); highest among the groups gnomAD compares: South Asian, 0.0011%; no homozygotes.

Submissions (2):

Labcorp Genetics (formerly Invitae), Labcorp
Classification: Uncertain significance. Last evaluated: 2025-06-05. Review status: criteria provided, single submitter. Criteria: Invitae Variant Classification Sherloc (09022015). Collection method: clinical testing. Allele origin: germline.
Comment: This sequence change replaces alanine, which is neutral and non-polar, with threonine, which is neutral and polar, at codon 282 of the GFAP protein (p.Ala282Thr). This variant is not present in population databases (gnomAD no frequency). This variant has not been reported in the literature in individuals affected with GFAP-related conditions. ClinVar contains an entry for this variant (Variation ID: 2633794). Invitae Evidence Modeling of protein sequence and biophysical properties (such as structural, functional, and spatial information, amino acid conservation, physicochemical variation, residue mobility, and thermodynamic stability) has been performed for this missense variant. However, the output from this modeling did not meet the statistical confidence thresholds required to predict the impact of this variant on GFAP protein function. In summary, the available evidence is currently insufficient to determine the role of this variant in disease. Therefore, it has been classified as a Variant of Uncertain Significance.

PreventionGenetics, part of Exact Sciences
Classification: Uncertain significance for GFAP-related condition. Last evaluated: 2023-04-03. Review status: criteria provided, single submitter. Criteria: ACMG Guidelines, 2015. Collection method: clinical testing. Allele origin: germline.
Comment: The GFAP c.844G>A variant is predicted to result in the amino acid substitution p.Ala282Thr. To our knowledge, this variant has not been reported in the literature or in a large population database, indicating this variant is rare. At this time, the clinical significance of this variant is uncertain due to the absence of conclusive functional and genetic evidence.

NM_002055.5(GFAP):c.844G>A (p.Ala282Thr)

Gene: GFAP (glial fibrillary acidic protein; minus strand). Cytogenetic location: 17q21.31.
Variant type: single nucleotide variant.
Coding change: c.844G>A on transcript NM_002055.5 (MANE Select); coding-DNA position 844, G replaced by A.
Protein change: p.Ala282Thr; replaces alanine 282 with threonine.
Molecular consequence: missense variant.
Genome position (GRCh38, 1-based): chr17:44,911,734, C>T on the plus strand (G>A on the coding strand, the complement: GFAP is on the minus strand). VCF-style: chr17-44911734-C-T. GRCh37 (hg19) VCF-style: chr17-42989102-C-T.
Other names: c.844G>A, p.Ala282Thr (NM_001131019.3, NM_001242376.3, NM_001363846.2); short protein forms A282T.
Identifiers: ClinVar variation 2633794 (VCV002633794.2), dbSNP rs2508935908, ClinGen allele CA399844649.
Genomic context (GRCh38, chr17:44,911,734, plus strand): 5'-TGCCGCGCAGAGACTCCAGGTCGCAGGTCAAGGACTGCAACTGGCGCCGGTAGTCGTTGG[C>T]TTCGTGCTTGGCCTGGCGGAGCAGCTCCGCGTTGCGGGCAGCAGCGTCTGTCAGGTCTGC-3'
Protein context (NP_002046.1, residues 272-292): AELLRQAKHE[Ala282Thr]NDYRRQLQSL